The following is an entry in ClinVar:

NM_001170629.2(CHD8):c.5051+5G>A

Gene: CHD8 (chromodomain helicase DNA binding protein 8; minus strand). Cytogenetic location: 14q11.2.
Variant type: single nucleotide variant.
Coding change: c.5051+5G>A on transcript NM_001170629.2 (MANE Select); 5 bases into the intron after coding-DNA position 5051, G replaced by A.
Molecular consequence: intron variant.
Genome position (GRCh38, 1-based): chr14:21,397,818, C>T on the plus strand (G>A on the coding strand, the complement: CHD8 is on the minus strand). VCF-style: chr14-21397818-C-T. GRCh37 (hg19) VCF-style: chr14-21865977-C-T.
Other names: c.4214+5G>A (NM_020920.4).
Identifiers: ClinVar variation 3901898 (VCV003901898.1).

ClinVar aggregate classification (germline): Uncertain significance (1 of 4 stars; one submission).

Conditions:
Intellectual developmental disorder with autism and macrocephaly. Also called: CHD8-Related Neurodevelopmental Disorder with Overgrowth; Autism, susceptibility to, 18. Identifiers: Orphanet 642675, MedGen C3554373, MONDO:0014017, OMIM 615032.

Submission:

Laboratorio de Genetica e Diagnostico Molecular, Hospital Israelita Albert Einstein
Classification: Uncertain significance for Intellectual developmental disorder with autism and macrocephaly. Last evaluated: 2024-02-09. Review status: criteria provided, single submitter. Criteria: ACMG Guidelines, 2015. Collection method: clinical testing. Allele origin: germline. Affected: yes.
Comment: ACMG classification criteria: PM2 supporting, BP4 supporting